The following is an entry in ClinVar:

NM_001127649.3(PEX26):c.473C>A (p.Ala158Asp)

Gene: PEX26 (peroxisomal biogenesis factor 26; plus strand). Cytogenetic location: 22q11.21.
Variant type: single nucleotide variant.
Coding change: c.473C>A on transcript NM_001127649.3 (MANE Select); coding-DNA position 473, C replaced by A.
Protein change: p.Ala158Asp; replaces alanine 158 with aspartic acid.
Molecular consequence: missense variant.
Genome position (GRCh38, 1-based): chr22:18,083,538, C>A. VCF-style: chr22-18083538-C-A. GRCh37 (hg19) VCF-style: chr22-18566304-C-A.
Other names: c.473C>A, p.Ala158Asp (NM_001199319.2, NM_017929.6); short protein forms A158D.
Identifiers: ClinVar variation 1896281 (VCV001896281.5), dbSNP rs375516733, ClinGen allele CA10093333.

ClinVar aggregate classification (germline): Uncertain significance (1 of 4 stars; one submission).

Conditions:
Peroxisome biogenesis disorder 7A (Zellweger). Also called: Peroxisome biogenesis disorder 7A. Identifiers: Orphanet 912, MedGen C3888385, MONDO:0013938, OMIM 614872.
Peroxisome biogenesis disorder 7B (PBD7B). Identifiers: Orphanet 44, MedGen C3553951, MONDO:0013939, OMIM 614873.

Allele frequency attached by ClinVar (database versions not stated): TOPMed 0.00001; ESP Exome Variant Server 0.00008.
gnomAD v4.1: 18 of 1,613,998 alleles (0.0011%); highest among the groups gnomAD compares: Admixed American, 0.0017%; no homozygotes.

Submission:

Labcorp Genetics (formerly Invitae), Labcorp
Classification: Uncertain significance for Peroxisome biogenesis disorder 7A (Zellweger); Peroxisome biogenesis disorder 7B. Last evaluated: 2023-12-06. Review status: criteria provided, single submitter. Criteria: Invitae Variant Classification Sherloc (09022015). Collection method: clinical testing. Allele origin: germline.
Comment: This sequence change replaces alanine, which is neutral and non-polar, with aspartic acid, which is acidic and polar, at codon 158 of the PEX26 protein (p.Ala158Asp). This variant is present in population databases (rs375516733, gnomAD 0.003%). This variant has not been reported in the literature in individuals affected with PEX26-related conditions. ClinVar contains an entry for this variant (Variation ID: 1896281). Advanced modeling of protein sequence and biophysical properties (such as structural, functional, and spatial information, amino acid conservation, physicochemical variation, residue mobility, and thermodynamic stability) performed at Invitae indicates that this missense variant is expected to disrupt PEX26 protein function with a positive predictive value of 80%. In summary, the available evidence is currently insufficient to determine the role of this variant in disease. Therefore, it has been classified as a Variant of Uncertain Significance.